The following is an entry in ClinVar:

ClinVar aggregate classification (germline): Uncertain significance (1 of 4 stars; one submission).

Conditions:
Very long chain acyl-CoA dehydrogenase deficiency (ACADVLD). Also called: VLCAD Deficiency; Very Long-Chain Acyl-Coenzyme A Dehydrogenase Deficiency. Identifiers: Orphanet 26793, MedGen C3887523, MONDO:0008723, OMIM 201475.

gnomAD v4.1: 1 of 1,614,102 alleles (0.000062%); highest among the groups gnomAD compares: Non-Finnish European, 0.000085%; no homozygotes.

Submission:

Labcorp Genetics (formerly Invitae), Labcorp
Classification: Uncertain significance for Very long chain acyl-CoA dehydrogenase deficiency. Last evaluated: 2025-08-30. Review status: criteria provided, single submitter. Criteria: Invitae Variant Classification Sherloc (09022015). Collection method: clinical testing. Allele origin: germline.
Comment: This sequence change replaces cysteine, which is neutral and slightly polar, with phenylalanine, which is neutral and non-polar, at codon 607 of the ACADVL protein (p.Cys607Phe). This variant is not present in population databases (gnomAD no frequency). This variant has not been reported in the literature in individuals affected with ACADVL-related conditions. ClinVar contains an entry for this variant (Variation ID: 2732243). Invitae Evidence Modeling of protein sequence and biophysical properties (such as structural, functional, and spatial information, amino acid conservation, physicochemical variation, residue mobility, and thermodynamic stability) indicates that this missense variant is not expected to disrupt ACADVL protein function with a negative predictive value of 80%. This variant disrupts the p.Cys607 amino acid residue in ACADVL. Other variant(s) that disrupt this residue have been determined to be pathogenic (PMID: 32778825; external communication, internal data). This suggests that this residue is clinically significant, and that variants that disrupt this residue are likely to be disease-causing. In summary, the available evidence is currently insufficient to determine the role of this variant in disease. Therefore, it has been classified as a Variant of Uncertain Significance.

Literature cited by the submitters: PubMed 32778825.

NM_000018.4(ACADVL):c.1820G>T (p.Cys607Phe)

Gene: ACADVL (acyl-CoA dehydrogenase very long chain; plus strand). Cytogenetic location: 17p13.1.
Variant type: single nucleotide variant.
Coding change: c.1820G>T on transcript NM_000018.4 (MANE Select); coding-DNA position 1820, G replaced by T.
Protein change: p.Cys607Phe; replaces cysteine 607 with phenylalanine.
Molecular consequence: missense variant.
Genome position (GRCh38, 1-based): chr17:7,224,877, G>T. VCF-style: chr17-7224877-G-T. GRCh37 (hg19) VCF-style: chr17-7128196-G-T.
Other names: c.1754G>T, p.Cys585Phe (NM_001033859.3); c.1889G>T, p.Cys630Phe (NM_001270447.2); c.1592G>T, p.Cys531Phe (NM_001270448.2); short protein forms C585F, C531F, C607F, C630F.
Identifiers: ClinVar variation 2732243 (VCV002732243.3), dbSNP rs200117742, ClinGen allele CA397725961.